The following is an entry in ClinVar:

NM_001845.6(COL4A1):c.2723A>C (p.His908Pro)

Gene: COL4A1 (collagen type IV alpha 1 chain; minus strand). Cytogenetic location: 13q34.
Variant type: single nucleotide variant.
Coding change: c.2723A>C on transcript NM_001845.6 (MANE Select); coding-DNA position 2723, A replaced by C.
Protein change: p.His908Pro; replaces histidine 908 with proline.
Molecular consequence: missense variant.
Genome position (GRCh38, 1-based): chr13:110,177,031, T>G on the plus strand (A>C on the coding strand, the complement: COL4A1 is on the minus strand). VCF-style: chr13-110177031-T-G. GRCh37 (hg19) VCF-style: chr13-110829378-T-G.
Other names: c.2723A>C (NM_001845.5); short protein forms H908P.
Identifiers: ClinVar variation 2776017 (VCV002776017.4), dbSNP rs1313966443, ClinGen allele CA388667275.

ClinVar aggregate classification (germline): Uncertain significance. Review status: criteria provided, multiple submitters, no conflicts (2 of 4 stars). 2 submissions from 2 submitters: Uncertain significance (2). Last evaluated 2025-08-31.

Conditions:
COL4A1-related disorder. Also called: COL4A1-related disorders; COL4A1-related condition. Identifiers: MedGen CN376119, MONDO:0800461.

Submissions (2):

PreventionGenetics, part of Exact Sciences
Classification: Uncertain significance for COL4A1-related condition. Last evaluated: 2025-08-31. Review status: criteria provided, single submitter. Criteria: ACMG Guidelines, 2015. Collection method: clinical testing. Allele origin: germline.
Comment: The COL4A1 c.2723A>C variant is predicted to result in the amino acid substitution p.His908Pro. To our knowledge, this variant has not been reported in the literature. This variant is reported in 0.0033% of alleles in individuals of South Asian descent in gnomAD. At this time, the clinical significance of this variant is uncertain due to the absence of conclusive functional and genetic evidence.

Labcorp Genetics (formerly Invitae), Labcorp
Classification: Uncertain significance. Last evaluated: 2024-07-03. Review status: criteria provided, single submitter. Criteria: Invitae Variant Classification Sherloc (09022015). Collection method: clinical testing. Allele origin: germline.
Comment: This sequence change replaces histidine, which is basic and polar, with proline, which is neutral and non-polar, at codon 908 of the COL4A1 protein (p.His908Pro). This variant is present in population databases (no rsID available, gnomAD 0.003%). This variant has not been reported in the literature in individuals affected with COL4A1-related conditions. An algorithm developed to predict the effect of missense changes on protein structure and function (PolyPhen-2) suggests that this variant is likely to be tolerated. In summary, the available evidence is currently insufficient to determine the role of this variant in disease. Therefore, it has been classified as a Variant of Uncertain Significance.